The following is an entry in ClinVar:

ClinVar aggregate classification (germline): Uncertain significance (1 of 4 stars; one submission).

Allele frequency attached by ClinVar (database versions not stated): gnomAD exomes below 0.00001; gnomAD 0.00001.

Submission:

Labcorp Genetics (formerly Invitae), Labcorp
Classification: Uncertain significance. Last evaluated: 2022-07-19. Review status: criteria provided, single submitter. Criteria: Invitae Variant Classification Sherloc (09022015). Collection method: clinical testing. Allele origin: germline.
Comment: In summary, the available evidence is currently insufficient to determine the role of this variant in disease. Therefore, it has been classified as a Variant of Uncertain Significance. This sequence change replaces valine, which is neutral and non-polar, with isoleucine, which is neutral and non-polar, at codon 1960 of the ABCA4 protein (p.Val1960Ile). This variant is present in population databases (no rsID available, gnomAD 0.007%). This variant has not been reported in the literature in individuals affected with ABCA4-related conditions. ClinVar contains an entry for this variant (Variation ID: 1361556). Advanced modeling of protein sequence and biophysical properties (such as structural, functional, and spatial information, amino acid conservation, physicochemical variation, residue mobility, and thermodynamic stability) performed at Invitae indicates that this missense variant is not expected to disrupt ABCA4 protein function.

NM_000350.3(ABCA4):c.5878G>A (p.Val1960Ile)

Gene: ABCA4 (ATP binding cassette subfamily A member 4; minus strand). Cytogenetic location: 1p22.1.
Variant type: single nucleotide variant.
Coding change: c.5878G>A on transcript NM_000350.3 (MANE Select); coding-DNA position 5878, G replaced by A.
Protein change: p.Val1960Ile; replaces valine 1960 with isoleucine.
Molecular consequence: missense variant.
Genome position (GRCh38, 1-based): chr1:94,008,255, C>T on the plus strand (G>A on the coding strand, the complement: ABCA4 is on the minus strand). VCF-style: chr1-94008255-C-T. GRCh37 (hg19) VCF-style: chr1-94473811-C-T.
Other names: c.5656G>A, p.Val1886Ile (NM_001425324.1); short protein forms V1960I, V1886I.
Identifiers: ClinVar variation 1361556 (VCV001361556.6), dbSNP rs1379929424, ClinGen allele CA341279858.
Genomic context (GRCh38, chr1:94,008,255, plus strand): 5'-TGTTCGGAAGCCTTTCACACGTGGTCTGCAGAGTACCCACCTCTCCAGGGCGAACTCCGA[C>T]ACACAGCCTGTCCACTGCTGGGCTGGAGGTGCCTGGATAAATCTGCAAGATACGAAGAAA-3'
Protein context (NP_000341.2, residues 1950-1970): TSSPAVDRLC[Val1960Ile]GVRPGECFGL